The following is an entry in ClinVar:

NM_000051.4(ATM):c.3070G>C (p.Ala1024Pro)

Gene: ATM (ATM serine/threonine kinase; plus strand). Cytogenetic location: 11q22.3.
Variant type: single nucleotide variant.
Coding change: c.3070G>C on transcript NM_000051.4 (MANE Select); coding-DNA position 3070, G replaced by C.
Protein change: p.Ala1024Pro; replaces alanine 1024 with proline.
Molecular consequence: missense variant.
Genome position (GRCh38, 1-based): chr11:108,271,399, G>C. VCF-style: chr11-108271399-G-C. GRCh37 (hg19) VCF-style: chr11-108142126-G-C.
Other names: c.3070G>C, p.Ala1024Pro (NM_001351834.2); short protein forms A1024P.
Identifiers: ClinVar variation 659468 (VCV000659468.15), dbSNP rs1397754737, ClinGen allele CA382547684.

ClinVar aggregate classification (germline): Uncertain significance. Review status: criteria provided, multiple submitters, no conflicts (2 of 4 stars). 3 submissions from 3 submitters: Uncertain significance (3). Last evaluated 2026-06-25.

Conditions:
ATM-related disorder. Also called: ATM-related disorders; ATM-related condition.
Hereditary cancer-predisposing syndrome. Also called: Tumor predisposition; Hereditary neoplastic syndrome; Hereditary Cancer Syndrome; Neoplastic Syndromes, Hereditary. Identifiers: Orphanet 140162, MedGen C0027672, MeSH D009386, MONDO:0015356.
Ataxia-telangiectasia syndrome (AT). Also called: Ataxia-telangiectasia; Cerebello-oculocutaneous telangiectasia; Immunodeficiency with ataxia telangiectasia; LOUIS-BAR SYNDROME; Ataxia-telangiectasia, complementation group E; Ataxia telangiectasia (A-T). Identifiers: Orphanet 100, MedGen C0004135, MONDO:0008840, OMIM 208900.

Submissions (3):

PreventionGenetics, part of Exact Sciences
Classification: Uncertain significance for ATM-related condition. Last evaluated: 2026-06-25. Review status: criteria provided, single submitter. Criteria: ACMG Guidelines, 2015. Collection method: clinical testing. Allele origin: germline.
Comment: The ATM c.3070G>C variant is predicted to result in the amino acid substitution p.Ala1024Pro. To our knowledge, this variant has not been reported in the literature or in a large population database (gnomAD), indicating this variant is rare. At this time, the clinical significance of this variant is uncertain due to the absence of conclusive functional and genetic evidence.

Ambry Genetics
Classification: Uncertain significance for Hereditary cancer-predisposing syndrome. Last evaluated: 2025-05-27. Review status: criteria provided, single submitter. Criteria: Ambry Variant Classification Scheme 2023. Collection method: clinical testing. Allele origin: germline.
Comment: The p.A1024P variant (also known as c.3070G>C), located in coding exon 19 of the ATM gene, results from a G to C substitution at nucleotide position 3070. The alanine at codon 1024 is replaced by proline, an amino acid with highly similar properties. This amino acid position is well conserved in available vertebrate species. In addition, this alteration is predicted to be deleterious by in silico analysis. Since supporting evidence is limited at this time, the clinical significance of this alteration remains unclear.

Labcorp Genetics (formerly Invitae), Labcorp
Classification: Uncertain significance for Ataxia-telangiectasia syndrome. Last evaluated: 2024-11-05. Review status: criteria provided, single submitter. Criteria: Invitae Variant Classification Sherloc (09022015). Collection method: clinical testing. Allele origin: germline.
Comment: This sequence change replaces alanine, which is neutral and non-polar, with proline, which is neutral and non-polar, at codon 1024 of the ATM protein (p.Ala1024Pro). This variant is not present in population databases (gnomAD no frequency). This variant has not been reported in the literature in individuals affected with ATM-related conditions. ClinVar contains an entry for this variant (Variation ID: 659468). Invitae Evidence Modeling of protein sequence and biophysical properties (such as structural, functional, and spatial information, amino acid conservation, physicochemical variation, residue mobility, and thermodynamic stability) indicates that this missense variant is not expected to disrupt ATM protein function with a negative predictive value of 95%. In summary, the available evidence is currently insufficient to determine the role of this variant in disease. Therefore, it has been classified as a Variant of Uncertain Significance.